The following is an entry in ClinVar:

ClinVar aggregate classification (germline): Uncertain significance. Review status: criteria provided, multiple submitters, no conflicts (2 of 4 stars). 2 submissions from 2 submitters: Uncertain significance (2). Last evaluated 2025-02-12.

Conditions:
Citrullinemia. Identifiers: Orphanet 187, MedGen C0175683, MONDO:0015991.
Inborn genetic diseases. Identifiers: MedGen C0950123, MeSH D030342.

Allele frequency attached by ClinVar (database versions not stated): gnomAD 0.00002; gnomAD exomes 0.00002; TOPMed 0.00003.
gnomAD v4.1: 37 of 1,613,996 alleles (0.0023%); highest among the groups gnomAD compares: Non-Finnish European, 0.0031%; no homozygotes.

Submissions (2):

Ambry Genetics
Classification: Uncertain significance for Inborn genetic diseases. Last evaluated: 2025-02-12. Review status: criteria provided, single submitter. Criteria: Ambry Variant Classification Scheme 2023. Collection method: clinical testing. Allele origin: germline.

Labcorp Genetics (formerly Invitae), Labcorp
Classification: Uncertain significance for Citrullinemia. Last evaluated: 2024-08-05. Review status: criteria provided, single submitter. Criteria: Invitae Variant Classification Sherloc (09022015). Collection method: clinical testing. Allele origin: germline.
Comment: This sequence change replaces valine, which is neutral and non-polar, with glycine, which is neutral and non-polar, at codon 22 of the ASS1 protein (p.Val22Gly). This variant is present in population databases (no rsID available, gnomAD 0.004%). This variant has not been reported in the literature in individuals affected with ASS1-related conditions. ClinVar contains an entry for this variant (Variation ID: 2146316). Advanced modeling of protein sequence and biophysical properties (such as structural, functional, and spatial information, amino acid conservation, physicochemical variation, residue mobility, and thermodynamic stability) performed at Invitae indicates that this missense variant is not expected to disrupt ASS1 protein function with a negative predictive value of 80%. In summary, the available evidence is currently insufficient to determine the role of this variant in disease. Therefore, it has been classified as a Variant of Uncertain Significance.

NM_054012.4(ASS1):c.65T>G (p.Val22Gly)

Gene: ASS1 (argininosuccinate synthase 1; plus strand). Cytogenetic location: 9q34.11.
Variant type: single nucleotide variant.
Coding change: c.65T>G on transcript NM_054012.4 (MANE Select); coding-DNA position 65, T replaced by G.
Protein change: p.Val22Gly; replaces valine 22 with glycine.
Molecular consequence: missense variant.
Genome position (GRCh38, 1-based): chr9:130,452,293, T>G. VCF-style: chr9-130452293-T-G. GRCh37 (hg19) VCF-style: chr9-133327680-T-G.
Other names: c.65T>G, p.Val22Gly (NM_000050.4); short protein forms V22G.
Identifiers: ClinVar variation 2146316 (VCV002146316.4), dbSNP rs912037125, ClinGen allele CA200603554.